The following is an entry in ClinVar:

NM_152703.5(SAMD9L):c.952_954del (p.Asp318del)

Gene: SAMD9L (sterile alpha motif domain containing 9 like; minus strand). Cytogenetic location: 7q21.2.
Variant type: Deletion.
Coding change: c.952_954del on transcript NM_152703.5 (MANE Select); coding-DNA positions 952 to 954, 3 bases deleted (GAT; older notation c.952_954delGAT).
Protein change: p.Asp318del; deletes aspartic acid 318.
Molecular consequence: inframe deletion.
Genome position (GRCh38, 1-based): chr7:93,135,018-93,135,020, ATC deleted on the plus strand (GAT on the coding strand, the reverse complement: SAMD9L is on the minus strand); deleting any 3 consecutive bases within chr7:93,135,018-93,135,022 gives the same sequence; the c. name uses the placement nearest the transcript's 3' end. VCF-style (leftmost placement, unchanged base first): chr7-93135017-TATC-T. GRCh37 (hg19) VCF-style: chr7-92764330-TATC-T.
Other names: c.952_954del, p.Asp318del (NM_001303496.3, NM_001303497.3, NM_001303498.3 and 5 more transcripts); c.952_954delGAT (NM_152703.5); short protein forms D318del.
Identifiers: ClinVar variation 3013056 (VCV003013056.4), dbSNP rs1792359098, ClinGen allele CA1726217101.

ClinVar aggregate classification (germline): Uncertain significance. Review status: criteria provided, multiple submitters, no conflicts (2 of 4 stars). 2 submissions from 2 submitters: Uncertain significance (2). Last evaluated 2025-12-15.

Submissions (2):

Women's Health and Genetics/Laboratory Corporation of America, LabCorp
Classification: Uncertain significance. Last evaluated: 2025-12-15. Review status: criteria provided, single submitter. Criteria: LabCorp Variant Classification Summary - May 2015. Collection method: clinical testing. Allele origin: germline.
Comment: Variant summary: SAMD9L c.952_954delGAT (p.Asp318del) results in an in-frame deletion that is predicted to remove 1 amino acid from the encoded protein. The variant was absent in 250374 control chromosomes. The available data on variant occurrences in the general population are insufficient to allow any conclusion about variant significance. To our knowledge, no occurrence of c.952_954delGAT in individuals affected with SAMD9L-related conditions and no experimental evidence demonstrating its impact on protein function have been reported. ClinVar contains an entry for this variant (Variation ID: 3013056). Based on the evidence outlined above, the variant was classified as uncertain significance.

Labcorp Genetics (formerly Invitae), Labcorp
Classification: Uncertain significance. Last evaluated: 2023-03-10. Review status: criteria provided, single submitter. Criteria: Invitae Variant Classification Sherloc (09022015). Collection method: clinical testing. Allele origin: germline.
Comment: This variant has not been reported in the literature in individuals affected with SAMD9L-related conditions. This variant is not present in population databases (gnomAD no frequency). This variant, c.952_954del, results in the deletion of 1 amino acid(s) of the SAMD9L protein (p.Asp318del), but otherwise preserves the integrity of the reading frame. Experimental studies and prediction algorithms are not available or were not evaluated, and the functional significance of this variant is currently unknown. In summary, the available evidence is currently insufficient to determine the role of this variant in disease. Therefore, it has been classified as a Variant of Uncertain Significance.